The following is an entry in ClinVar:

ClinVar aggregate classification (germline): Uncertain significance (1 of 4 stars; one submission).

Submission:

GeneDx
Classification: Uncertain significance. Last evaluated: 2016-02-26. Review status: criteria provided, single submitter. Criteria: GeneDx Variant Classification (06012015). Collection method: clinical testing. Allele origin: germline. Affected: yes.
Comment: The G273D variant in the ALG12 gene has not been reported previously as a pathogenic variant, nor as a benign variant, to our knowledge. The G273D variant was not observed in approximately 6,500 individuals of European and African American ancestry in the NHLBI Exome Sequencing Project, indicating it is not a common benign variant in these populations. The G273D variant is a non-conservative amino acid substitution, which is likely to impact secondary protein structure as these residues differ in polarity, charge, size and/or other properties. This substitution occurs at a position where amino acids with similar properties to Glycine are tolerated across species. In silico analysis is inconsistent in its predictions as to whether or not the variant is damaging to the protein structure/function. We interpret G273D as a variant of uncertain significance.

NM_024105.4(ALG12):c.818G>A (p.Gly273Asp)

Gene: ALG12 (ALG12 alpha-1,6-mannosyltransferase; minus strand). Cytogenetic location: 22q13.33.
Variant type: single nucleotide variant.
Coding change: c.818G>A on transcript NM_024105.4 (MANE Select); coding-DNA position 818, G replaced by A.
Protein change: p.Gly273Asp; replaces glycine 273 with aspartic acid.
Molecular consequence: missense variant.
Genome position (GRCh38, 1-based): chr22:49,907,895, C>T on the plus strand (G>A on the coding strand, the complement: ALG12 is on the minus strand). VCF-style: chr22-49907895-C-T. GRCh37 (hg19) VCF-style: chr22-50301543-C-T.
Other names: short protein forms G273D.
Identifiers: ClinVar variation 383965 (VCV000383965.2), dbSNP rs1057521799, ClinGen allele CA16608645.